The following is an entry in ClinVar:

ClinVar aggregate classification (germline): Uncertain significance (1 of 4 stars; one submission).

Conditions:
Fanconi anemia (FA). Also called: Fanconi's anemia. Identifiers: Orphanet 84, MedGen C0015625, MeSH D005199, MONDO:0019391.

Allele frequency attached by ClinVar (database versions not stated): gnomAD exomes below 0.00001 and 0.00001; ExAC 0.00001.

Submission:

Labcorp Genetics (formerly Invitae), Labcorp
Classification: Uncertain significance for Fanconi anemia. Last evaluated: 2021-09-24. Review status: criteria provided, single submitter. Criteria: Invitae Variant Classification Sherloc (09022015). Collection method: clinical testing. Allele origin: germline.
Comment: This sequence change replaces serine with phenylalanine at codon 659 of the FANCI protein (p.Ser659Phe). The serine residue is weakly conserved and there is a large physicochemical difference between serine and phenylalanine. This variant is present in population databases (rs776139524, ExAC 0.001%). This variant has not been reported in the literature in individuals with FANCI-related conditions. Algorithms developed to predict the effect of missense changes on protein structure and function output the following: SIFT: "Tolerated"; PolyPhen-2: "Benign"; Align-GVGD: "Class C0". The phenylalanine amino acid residue is found in multiple mammalian species, suggesting that this missense change does not adversely affect protein function. These predictions have not been confirmed by published functional studies and their clinical significance is uncertain. In summary, the available evidence is currently insufficient to determine the role of this variant in disease. Therefore, it has been classified as a Variant of Uncertain Significance.

NM_001113378.2(FANCI):c.1976C>T (p.Ser659Phe)

Gene: FANCI (FA complementation group I; plus strand). Cytogenetic location: 15q26.1.
Variant type: single nucleotide variant.
Coding change: c.1976C>T on transcript NM_001113378.2 (MANE Select); coding-DNA position 1976, C replaced by T.
Protein change: p.Ser659Phe; replaces serine 659 with phenylalanine.
Molecular consequence: missense variant.
Genome position (GRCh38, 1-based): chr15:89,291,698, C>T. VCF-style: chr15-89291698-C-T. GRCh37 (hg19) VCF-style: chr15-89834929-C-T.
Other names: c.1697C>T, p.Ser566Phe (NM_001376910.1); c.1976C>T, p.Ser659Phe (NM_001376911.1, NM_018193.3); short protein forms S566F, S659F.
Identifiers: ClinVar variation 1364287 (VCV001364287.5), dbSNP rs776139524, ClinGen allele CA7723230.
Genomic context (GRCh38, chr15:89,291,698, plus strand): 5'-CTGATCTGCTGCCTCCTCTGAAATTAGAAGCTTGTATTCTGACCCAAGGAGATAAGATCT[C>T]TCTACAAGAACCACTGGTGAGACTTTTATTCTTCCTTCAACCATTATTTTTAGTATTAAG-3'
Protein context (NP_001106849.1, residues 649-669): ACILTQGDKI[Ser659Phe]LQEPLDYLLC